The following is an entry in ClinVar:

ClinVar aggregate classification (germline): Uncertain significance. Review status: criteria provided, multiple submitters, no conflicts (2 of 4 stars). 3 submissions from 3 submitters: Uncertain significance (2). 1 of the submissions does not count toward it. Last evaluated 2025-04-21.

Conditions:
Hereditary cancer-predisposing syndrome. Also called: Tumor predisposition; Neoplastic Syndromes, Hereditary; Hereditary Cancer Syndrome; Hereditary neoplastic syndrome. Identifiers: Orphanet 140162, MedGen C0027672, MeSH D009386, MONDO:0015356.
Hereditary pheochromocytoma and paraganglioma. Also called: Hereditary paragangliomas and pheochromocytomas; Hereditary pheochromocytoma-paraganglioma; Hereditary Paraganglioma-Pheochromocytoma Syndromes. Identifiers: Orphanet 29072, MedGen C4274332, MONDO:0017366.

Allele frequency attached by ClinVar (database versions not stated): gnomAD 0.00001; gnomAD exomes 0.00001.
gnomAD v4.1: 9 of 1,606,680 alleles (0.00056%); highest among the groups gnomAD compares: Non-Finnish European, 0.00076%; no homozygotes.

Submissions (3):

Labcorp Genetics (formerly Invitae), Labcorp
Classification: Uncertain significance for Hereditary pheochromocytoma and paraganglioma. Last evaluated: 2025-04-21. Review status: criteria provided, single submitter. Criteria: Invitae Variant Classification Sherloc (09022015). Collection method: clinical testing. Allele origin: germline.
Comment: This sequence change replaces histidine, which is basic and polar, with tyrosine, which is neutral and polar, at codon 57 of the TMEM127 protein (p.His57Tyr). This variant is present in population databases (no rsID available, gnomAD 0.007%). This variant has not been reported in the literature in individuals affected with TMEM127-related conditions. ClinVar contains an entry for this variant (Variation ID: 1049269). An algorithm developed to predict the effect of missense changes on protein structure and function (PolyPhen-2) suggests that this variant is likely to be tolerated. In summary, the available evidence is currently insufficient to determine the role of this variant in disease. Therefore, it has been classified as a Variant of Uncertain Significance.

Ambry Genetics
Classification: Uncertain significance for Hereditary cancer-predisposing syndrome. Last evaluated: 2022-07-10. Review status: criteria provided, single submitter. Criteria: Ambry Variant Classification Scheme 2023. Collection method: clinical testing. Allele origin: germline.
Comment: The p.H57Y variant (also known as c.169C>T), located in coding exon 1 of the TMEM127 gene, results from a C to T substitution at nucleotide position 169. The histidine at codon 57 is replaced by tyrosine, an amino acid with similar properties. This amino acid position is conserved. In addition, this alteration is predicted to be deleterious by in silico analysis. Since supporting evidence is limited at this time, the clinical significance of this alteration remains unclear.

Department of Pathology and Laboratory Medicine, Sinai Health System
Classification: Uncertain significance. Review status: no assertion criteria provided. Collection method: clinical testing. Allele origin: unknown. Affected: yes. Study: The Canadian Open Genetics Repository (COGR). Not counted in ClinVar's aggregate classification.
Comment: The TMEM127 p.His57Tyr variant was not identified in the literature nor was it identified in the following databases: ClinVar, Cosmic or LOVD 3.0. The variant was identified in dbSNP (ID: rs1294717128) and in control databases in 1 of 31386 chromosomes at a frequency of 0.00003186 (Genome Aggregation Database March 6, 2019, v2.1.1). The variant was observed in the European (non-Finnish) population in 1 of 15424 chromosomes (freq: 0.000065), but was not observed in the African, Latino, Ashkenazi Jewish, East Asian, European (Finnish), Other, or South Asian populations. The p.His57 residue is conserved in mammals but not in more distantly related organisms however four out of five computational analyses (PolyPhen-2, SIFT, AlignGVGD, BLOSUM, MutationTaster) do not suggest a high likelihood of impact to the protein; this information is not predictive enough to rule out pathogenicity. The variant occurs outside of the splicing consensus sequence and in silico or computational prediction software programs (SpliceSiteFinder, MaxEntScan, NNSPLICE, GeneSplicer) do not predict a difference in splicing. In summary, based on the above information the clinical significance of this variant cannot be determined with certainty at this time. This variant is classified as a variant of uncertain significance.

NM_017849.4(TMEM127):c.169C>T (p.His57Tyr)

Gene: TMEM127 (transmembrane protein 127; minus strand). Cytogenetic location: 2q11.2.
Variant type: single nucleotide variant.
Coding change: c.169C>T on transcript NM_017849.4 (MANE Select); coding-DNA position 169, C replaced by T.
Protein change: p.His57Tyr; replaces histidine 57 with tyrosine.
Molecular consequence: missense variant.
Genome position (GRCh38, 1-based): chr2:96,265,213, G>A on the plus strand (C>T on the coding strand, the complement: TMEM127 is on the minus strand). VCF-style: chr2-96265213-G-A. GRCh37 (hg19) VCF-style: chr2-96930951-G-A.
Other names: c.169C>T, p.His57Tyr (NM_001193304.3); short protein forms H57Y.
Identifiers: ClinVar variation 1049269 (VCV001049269.4), dbSNP rs1294717128, ClinGen allele CA347655978.